The following is an entry in ClinVar:

ClinVar aggregate classification (germline): Likely benign (1 of 4 stars; one submission).

Submission:

CeGaT Center for Human Genetics Tuebingen
Classification: Likely benign. Last evaluated: 2024-01-01. Review status: criteria provided, single submitter. Criteria: CeGaT Center For Human Genetics Tuebingen Variant Classification Criteria Version 2. Collection method: clinical testing. Allele origin: germline. Affected: yes. Observed: 1 variant allele.
Comment: MYCBP2: BP4

NM_015057.5(MYCBP2):c.-27GCG[4]

Genes: MYCBP2 (MYC binding protein 2; minus strand), LOC130009921 (ATAC-STARR-seq lymphoblastoid silent region 5419; plus strand). Cytogenetic location: 13q22.3.
Variant type: Microsatellite.
Coding change: c.-27GCG[4] on transcript NM_015057.5 (MANE Select); four copies in a row of the 3-base unit GCG starting at c.-27; the reference has eight copies in a row; four copies, 12 bases deleted.
Molecular consequence: 5 prime UTR variant.
Genome position (GRCh38, 1-based): chr13:77,326,779-77,326,790, CGCCGCCGCCGC deleted on the plus strand (GCGGCGGCGGCG on the coding strand, the reverse complement: MYCBP2 is on the minus strand); deleting any 12 consecutive bases within chr13:77,326,779-77,326,803 gives the same sequence; the position shown is the placement nearest the transcript's 3' end. VCF-style (leftmost placement, unchanged base first): chr13-77326778-TCGCCGCCGCCGC-T. GRCh37 (hg19) VCF-style: chr13-77900913-TCGCCGCCGCCGC-T.
Identifiers: ClinVar variation 3026125 (VCV003026125.22), dbSNP rs754197897, ClinGen allele CA7010783.